The following is an entry in ClinVar:

NM_006940.6(SOX5):c.118G>A (p.Glu40Lys)

Gene: SOX5 (SRY-box transcription factor 5; minus strand). Cytogenetic location: 12p12.1.
Variant type: single nucleotide variant.
Coding change: c.118G>A on transcript NM_006940.6 (MANE Select); coding-DNA position 118, G replaced by A.
Protein change: p.Glu40Lys; replaces glutamic acid 40 with lysine.
Molecular consequence: missense variant.
Genome position (GRCh38, 1-based): chr12:23,895,945, C>T on the plus strand (G>A on the coding strand, the complement: SOX5 is on the minus strand). VCF-style: chr12-23895945-C-T. GRCh37 (hg19) VCF-style: chr12-24048879-C-T.
Other names: c.79G>A, p.Glu27Lys (NM_001261414.3, NM_152989.5); c.88G>A, p.Glu30Lys (NM_001261415.3); c.118G>A, p.Glu40Lys (NM_001330785.2); short protein forms E27K, E30K, E40K.
Identifiers: ClinVar variation 5018019 (VCV005018019.1).

ClinVar aggregate classification (germline): Uncertain significance (1 of 4 stars; one submission).

Submission:

GeneDx
Classification: Uncertain significance. Last evaluated: 2026-03-31. Review status: criteria provided, single submitter. Criteria: GeneDx Variant Classification Process June 2021. Collection method: clinical testing. Allele origin: germline.
Comment: Not observed at significant frequency in large population cohorts (gnomAD); In silico analysis suggests that this missense variant does not alter protein structure/function; Has not been previously published as pathogenic or benign to our knowledge